The following is an entry in ClinVar:

NM_182978.4(GNAL):c.1232G>C (p.Arg411Thr)

Gene: GNAL (G protein subunit alpha L; plus strand). Cytogenetic location: 18p11.21.
Variant type: single nucleotide variant.
Coding change: c.1232G>C on transcript NM_182978.4 (MANE Select); coding-DNA position 1232, G replaced by C.
Protein change: p.Arg411Thr; replaces arginine 411 with threonine.
Molecular consequence: missense variant.
Genome position (GRCh38, 1-based): chr18:11,880,990, G>C. VCF-style: chr18-11880990-G-C. GRCh37 (hg19) VCF-style: chr18-11880989-G-C.
Other names: c.1001G>C, p.Arg334Thr (NM_001142339.3, NM_001261443.2, NM_001369387.1); c.380G>C, p.Arg127Thr (NM_001261444.2); short protein forms R334T, R411T, R127T.
Identifiers: ClinVar variation 2066163 (VCV002066163.4), dbSNP rs147199359, ClinGen allele CA8894258.
Genomic context (GRCh38, chr18:11,880,990, plus strand): 5'-CCTTCCCCAGAGTACATGCTGGGGCCGCGCAGGGCTAGTGCACACGCTCTCTCTTGCAGA[G>C]GATCAGCACGGCCACCGGTGACGGCAAACATTACTGCTACCCGCACTTCACCTGCGCCGT-3'
Protein context (NP_892023.1, residues 401-421): AKFFIRDLFL[Arg411Thr]ISTATGDGKH

ClinVar aggregate classification (germline): Uncertain significance (1 of 4 stars; one submission).

Conditions:
Dystonic disorder. Also called: Dystonia. Identifiers: MedGen C0013421, MONDO:0003441, HP:0001332.

Allele frequency attached by ClinVar (database versions not stated): ExAC 0.00001; gnomAD exomes 0.00001; TOPMed 0.00001; ESP Exome Variant Server 0.00008.
gnomAD v4.1: 9 of 1,613,762 alleles (0.00056%); highest among the groups gnomAD compares: Non-Finnish European, 0.00076%; no homozygotes.

Submission:

Labcorp Genetics (formerly Invitae), Labcorp
Classification: Uncertain significance for Dystonic disorder. Last evaluated: 2026-01-12. Review status: criteria provided, single submitter. Criteria: Invitae Variant Classification Sherloc (09022015). Collection method: clinical testing. Allele origin: germline.
Comment: This sequence change replaces arginine, which is basic and polar, with threonine, which is neutral and polar, at codon 334 of the GNAL protein (p.Arg334Thr). This variant is present in population databases (rs147199359, gnomAD 0.003%). This variant has not been reported in the literature in individuals affected with GNAL-related conditions. ClinVar contains an entry for this variant (Variation ID: 2066163). An algorithm developed to predict the effect of missense changes on protein structure and function (PolyPhen-2) suggests that this variant is likely to be disruptive. In summary, the available evidence is currently insufficient to determine the role of this variant in disease. Therefore, it has been classified as a Variant of Uncertain Significance.